The following is an entry in ClinVar:

ClinVar aggregate classification (germline): Uncertain significance (1 of 4 stars; one submission).

Conditions:
Tuberous sclerosis 2 (TSC2). Identifiers: Orphanet 805, MedGen C1860707, MONDO:0013199, OMIM 613254.

Submission:

Labcorp Genetics (formerly Invitae), Labcorp
Classification: Uncertain significance for Tuberous sclerosis 2. Last evaluated: 2025-10-19. Review status: criteria provided, single submitter. Criteria: Invitae Variant Classification Sherloc (09022015). Collection method: clinical testing. Allele origin: germline.
Comment: This sequence change replaces leucine, which is neutral and non-polar, with valine, which is neutral and non-polar, at codon 1112 of the TSC2 protein (p.Leu1112Val). This variant is not present in population databases (gnomAD no frequency). This variant has not been reported in the literature in individuals affected with TSC2-related conditions. ClinVar contains an entry for this variant (Variation ID: 1355612). Invitae Evidence Modeling of protein sequence and biophysical properties (such as structural, functional, and spatial information, amino acid conservation, physicochemical variation, residue mobility, and thermodynamic stability) indicates that this missense variant is not expected to disrupt TSC2 protein function with a negative predictive value of 95%. In summary, the available evidence is currently insufficient to determine the role of this variant in disease. Therefore, it has been classified as a Variant of Uncertain Significance.

NM_000548.5(TSC2):c.3334C>G (p.Leu1112Val)

Gene: TSC2 (TSC complex subunit 2; plus strand). Cytogenetic location: 16p13.3.
Variant type: single nucleotide variant.
Coding change: c.3334C>G on transcript NM_000548.5 (MANE Select); coding-DNA position 3334, C replaced by G.
Protein change: p.Leu1112Val; replaces leucine 1112 with valine.
Molecular consequence: missense variant.
Genome position (GRCh38, 1-based): chr16:2,079,606, C>G. VCF-style: chr16-2079606-C-G. GRCh37 (hg19) VCF-style: chr16-2129607-C-G.
Other names: c.3202C>G, p.Leu1068Val (NM_001077183.3, NM_001370404.1); c.3334C>G, p.Leu1112Val (NM_001114382.3); c.3094C>G, p.Leu1032Val (NM_001318827.2); c.3058C>G, p.Leu1020Val (NM_001318829.2); c.2602C>G, p.Leu868Val (NM_001318831.2); c.3235C>G, p.Leu1079Val (NM_001318832.2); c.3205C>G, p.Leu1069Val (NM_001363528.2, NM_001370405.1, NM_021055.3); short protein forms L1079V, L1020V, L1068V, L1069V, L1112V, L868V, L1032V.
Identifiers: ClinVar variation 1355612 (VCV001355612.8), dbSNP rs531172613, ClinGen allele CA394286612.
Genomic context (GRCh38, chr16:2,079,606, plus strand): 5'-TCTCTTCTCAGCTCCAGCCCCGGGGTGCATGTGAGACAGACCAAGGAGGCGCCGGCCAAG[C>G]TGGAGTCCCAGGCTGGGCAGCAGGTGTCCCGTGGGGCCCGGGATCGGGTCCGTTCCATGT-3'
Protein context (NP_000539.2, residues 1102-1122): VRQTKEAPAK[Leu1112Val]ESQAGQQVSR